The following is an entry in ClinVar:

ClinVar aggregate classification (germline): Uncertain significance (1 of 4 stars; one submission).

Submission:

GeneDx
Classification: Uncertain significance. Last evaluated: 2025-03-07. Review status: criteria provided, single submitter. Criteria: GeneDx Variant Classification Process June 2021. Collection method: clinical testing. Allele origin: germline. Affected: yes.
Comment: Not observed at significant frequency in large population cohorts (gnomAD); In silico analysis indicates that this missense variant does not alter protein structure/function; Has not been previously published as pathogenic or benign to our knowledge

NM_001379451.1(BCORL1):c.997G>T (p.Val333Phe)

Gene: BCORL1 (BCL6 corepressor like 1; plus strand). Cytogenetic location: Xq26.1.
Variant type: single nucleotide variant.
Coding change: c.997G>T on transcript NM_001379451.1 (MANE Select); coding-DNA position 997, G replaced by T.
Protein change: p.Val333Phe; replaces valine 333 with phenylalanine.
Molecular consequence: missense variant.
Genome position (GRCh38, 1-based): chrX:130,013,769, G>T. VCF-style: chrX-130013769-G-T. GRCh37 (hg19) VCF-style: chrX-129147745-G-T.
Other names: c.997G>T, p.Val333Phe (NM_001184772.3, NM_001379450.1, NM_001441326.1 and 7 more transcripts); short protein forms V333F.
Identifiers: ClinVar variation 4082963 (VCV004082963.1).